The following is an entry in ClinVar:

NM_001014.5(RPS10):c.95A>C (p.His32Pro)

Genes: RPS10 (ribosomal protein S10; minus strand), RPS10-NUDT3 (RPS10-NUDT3 readthrough; minus strand). Cytogenetic location: 6p21.31.
Variant type: single nucleotide variant.
Coding change: c.95A>C on transcript NM_001014.5 (MANE Select); coding-DNA position 95, A replaced by C.
Protein change: p.His32Pro; replaces histidine 32 with proline.
Molecular consequence: missense variant.
Genome position (GRCh38, 1-based): chr6:34,425,127, T>G on the plus strand (A>C on the coding strand, the complement: RPS10 is on the minus strand). VCF-style: chr6-34425127-T-G. GRCh37 (hg19) VCF-style: chr6-34392904-T-G.
Other names: c.95A>C, p.His32Pro (NM_001202470.3, NM_001203245.3, NM_001204091.2); short protein forms H32P.
Identifiers: ClinVar variation 4729746 (VCV004729746.1).

ClinVar aggregate classification (germline): Uncertain significance (1 of 4 stars; one submission).

Conditions:
Diamond-Blackfan anemia. Also called: Blackfan Diamond syndrome; Aregenerative anemia chronic congenital; Red cell aplasia, pure hereditary; Congenital hypoplastic anemia; Aase syndrome. Identifiers: Orphanet 124, MedGen C1260899, MeSH D029503, MONDO:0015253, HP:0004810.

Submission:

Labcorp Genetics (formerly Invitae), Labcorp
Classification: Uncertain significance for Diamond-Blackfan anemia. Last evaluated: 2025-10-23. Review status: criteria provided, single submitter. Criteria: Invitae Variant Classification Sherloc (09022015). Collection method: clinical testing. Allele origin: germline.
Comment: This sequence change replaces histidine, which is basic and polar, with proline, which is neutral and non-polar, at codon 32 of the RPS10 protein (p.His32Pro). This variant is not present in population databases (gnomAD no frequency). This variant has not been reported in the literature in individuals affected with RPS10-related conditions. An algorithm developed to predict the effect of missense changes on protein structure and function (PolyPhen-2) suggests that this variant is likely to be disruptive. In summary, the available evidence is currently insufficient to determine the role of this variant in disease. Therefore, it has been classified as a Variant of Uncertain Significance.